The following is an entry in ClinVar:

NM_030662.4(MAP2K2):c.169T>A (p.Phe57Ile)

Gene: MAP2K2 (mitogen-activated protein kinase kinase 2; minus strand). Cytogenetic location: 19p13.3.
Variant type: single nucleotide variant.
Coding change: c.169T>A on transcript NM_030662.4 (MANE Select); coding-DNA position 169, T replaced by A.
Protein change: p.Phe57Ile; replaces phenylalanine 57 with isoleucine.
Molecular consequence: missense variant.
Genome position (GRCh38, 1-based): chr19:4,117,553, A>T on the plus strand (T>A on the coding strand, the complement: MAP2K2 is on the minus strand). VCF-style: chr19-4117553-A-T. GRCh37 (hg19) VCF-style: chr19-4117551-A-T.
Other names: short protein forms F57I.
Identifiers: ClinVar variation 163960 (VCV000163960.4), dbSNP rs121434498, ClinGen allele CA176709.
Genomic context (GRCh38, chr19:4,117,553, plus strand): 5'-CTGAGATCCTTTCGAAGTCATCGTCTTTGAGTTCGCCGACCTTGGCTTTCTGGGTGAGAA[A>T]GGCTTCCAGCCGCTTCTTCTGCTGCTCGTCAAGTTCCAGCTCCTCCAGCTTCTTCTGCAG-3'
Protein context (NP_109587.1, residues 47-67): DEQQKKRLEA[Phe57Ile]LTQKAKVGEL

ClinVar aggregate classification (germline): Uncertain significance (1 of 4 stars; one submission).

Submission:

Laboratory for Molecular Medicine, Mass General Brigham Personalized Medicine
Classification: Uncertain significance. Last evaluated: 2014-08-19. Review status: criteria provided, single submitter. Criteria: LMM Criteria. Collection method: clinical testing. Allele origin: germline. Observed: 1 variant allele.
Comment: Variant classified as Uncertain Significance - Favor Pathogenic. The Phe57Ile va riant in MAP2K2 has been reported in 1 individual with clinical features of Card io-facio-cutaneous syndrome (CFC) (Kratz 2007) and was absent from large populat ion studies. Computational prediction tools and conservation analysis suggest th at the Phe57Ile variant may impact the protein, though this information is not p redictive enough to determine pathogenicity. In addition, other amino acid chang es at this position have been identified in three individuals with CFC syndrome (Phe57Cys and Phe57Val; Rodriguez-Viciana 2006, Schulz 2008), which occurred de novo in all three individuals. In vitro functional studies provide some evidence that the Phe57Cys variant increases protein activity (Rodriguez-Viciana 2006). In summary, while there is some suspicion for a pathogenic role, the clinical si gnificance of the Phe57Ile variant is uncertain.

Literature cited by the submitters: PubMed 17211612.